The following is an entry in ClinVar:

NM_001395414.1(MUC22):c.1353T>C (p.Thr451=)

Gene: MUC22 (mucin 22; plus strand). Cytogenetic location: 6p21.33.
Variant type: single nucleotide variant.
Coding change: c.1353T>C on transcript NM_001395414.1 (MANE Select); coding-DNA position 1353, T replaced by C.
Protein change: p.Thr451=; no amino-acid change (threonine 451 retained).
Molecular consequence: synonymous variant.
Genome position (GRCh38, 1-based): chr6:31,026,784, T>C. VCF-style: chr6-31026784-T-C. GRCh37 (hg19) VCF-style: chr6-30994561-T-C.
Other names: c.1353T>C, p.Thr451= (NM_001198815.1); c.1362T>C, p.Thr454= (NM_001318484.1).
Identifiers: ClinVar variation 4534387 (VCV004534387.6).

ClinVar aggregate classification (germline): Likely benign (1 of 4 stars; one submission).

Submission:

CeGaT Center for Human Genetics Tuebingen
Classification: Likely benign. Last evaluated: 2025-10-01. Review status: criteria provided, single submitter. Criteria: CeGaT Center For Human Genetics Tuebingen Variant Classification Criteria Version 2. Collection method: clinical testing. Allele origin: germline. Affected: yes. Observed: 1 variant allele.
Comment: MUC22: PM2:Supporting, BP4, BP7